The following is an entry in ClinVar:

NM_000217.3(KCNA1):c.1125C>T (p.Tyr375=)

Gene: KCNA1 (potassium voltage-gated channel subfamily A member 1; plus strand). Cytogenetic location: 12p13.32.
Variant type: single nucleotide variant.
Coding change: c.1125C>T on transcript NM_000217.3 (MANE Select); coding-DNA position 1125, C replaced by T.
Protein change: p.Tyr375=; no amino-acid change (tyrosine 375 retained).
Molecular consequence: synonymous variant.
Genome position (GRCh38, 1-based): chr12:4,912,503, C>T. VCF-style: chr12-4912503-C-T. GRCh37 (hg19) VCF-style: chr12-5021669-C-T.
Other names: p.Tyr375=.
Identifiers: ClinVar variation 309146 (VCV000309146.56), dbSNP rs144351014, ClinGen allele CA6399466.

ClinVar aggregate classification (germline): Benign/Likely benign. Review status: criteria provided, multiple submitters, no conflicts (2 of 4 stars). 11 submissions from 11 submitters: Benign (2); Likely benign (6). 3 of the submissions do not count toward it. Last evaluated 2026-01-21.

Conditions:
KCNA1-related disorder. Also called: KCNA1-related condition; KCNA1-related disorders.
Episodic ataxia type 1 (EA1). Also called: Episodic ataxia/myokymia syndrome; MYOKYMIA WITH PERIODIC ATAXIA; PAROXYSMAL ATAXIA WITH NEUROMYOTONIA, HEREDITARY; ATAXIA, EPISODIC, WITH MYOKYMIA. Identifiers: Orphanet 37612, Orphanet 972, MedGen C1719788, MONDO:0008047, OMIM 160120.

Allele frequency attached by ClinVar (database versions not stated): 1000 Genomes Project 0.00020; 1000 Genomes Project 30x 0.00031; ExAC 0.00034; gnomAD exomes 0.00035 and 0.00084; gnomAD 0.00038 and 0.00040; TOPMed 0.00039; ESP Exome Variant Server 0.00077.
gnomAD v4.1: 1,271 of 1,613,864 alleles (0.079%); highest among the groups gnomAD compares: Non-Finnish European, 0.1%; no homozygotes.

Submissions (11):

Labcorp Genetics (formerly Invitae), Labcorp
Classification: Likely benign for Episodic ataxia type 1. Last evaluated: 2026-01-21. Review status: criteria provided, single submitter. Criteria: Invitae Variant Classification Sherloc (09022015). Collection method: clinical testing. Allele origin: germline.

CeGaT Center for Human Genetics Tuebingen
Classification: Likely benign. Last evaluated: 2025-10-01. Review status: criteria provided, single submitter. Criteria: CeGaT Center For Human Genetics Tuebingen Variant Classification Criteria Version 2. Collection method: clinical testing. Allele origin: germline. Affected: yes. Observed: 12 variant alleles.
Comment: KCNA1: BP4, BP7

Mayo Clinic Laboratories, Mayo Clinic
Classification: Likely benign. Last evaluated: 2025-01-21. Review status: criteria provided, single submitter. Criteria: ACMG Guidelines, 2015. Collection method: clinical testing. Allele origin: germline. Observed: 2 variant alleles.
Comment: BS1, BP4, BP7

Blueprint Genetics
Classification: Likely benign. Last evaluated: 2024-09-23. Review status: criteria provided, single submitter. Criteria: ACMG Guidelines, 2015. Collection method: clinical testing. Allele origin: germline.

ARUP Laboratories, Molecular Genetics and Genomics, ARUP Laboratories
Classification: Benign for Episodic ataxia type 1. Last evaluated: 2024-03-25. Review status: criteria provided, single submitter. Criteria: ARUP Molecular Germline Variant Investigation Process 2024. Collection method: clinical testing. Allele origin: germline.

Fulgent Genetics
Classification: Likely benign for Episodic ataxia type 1. Last evaluated: 2021-11-10. Review status: criteria provided, single submitter. Criteria: ACMG Guidelines, 2015. Collection method: clinical testing. Allele origin: unknown.

Illumina Laboratory Services, Illumina
Classification: Benign for Episodic ataxia type 1. Last evaluated: 2018-01-12. Review status: criteria provided, single submitter. Criteria: ICSL Variant Classification Criteria 13 December 2019. Collection method: clinical testing. Allele origin: germline.
Comment: This variant was observed in the ICSL laboratory as part of a predisposition screen in an ostensibly healthy population. It had not been previously curated by ICSL or reported in the Human Gene Mutation Database (HGMD: prior to June 1st, 2018), and was therefore a candidate for classification through an automated scoring system. Utilizing variant allele frequency, disease prevalence and penetrance estimates, and inheritance mode, an automated score was calculated to assess if this variant is too frequent to cause the disease. Based on the score and internal cut-off values, a variant classified as benign is not then subjected to further curation. The score for this variant resulted in a classification of benign for this disease.

Athena Diagnostics
Classification: Likely benign. Last evaluated: 2017-06-09. Review status: criteria provided, single submitter. Criteria: Athena Diagnostics Criteria. Collection method: clinical testing. Allele origin: germline.

PreventionGenetics, part of Exact Sciences
Classification: Likely benign for KCNA1-related condition. Last evaluated: 2019-06-07. Review status: no assertion criteria provided. Collection method: clinical testing. Allele origin: germline. Not counted in ClinVar's aggregate classification.
Comment: This variant is classified as likely benign based on ACMG/AMP sequence variant interpretation guidelines (Richards et al. 2015 PMID: 25741868, with internal and published modifications).

Clinical Genetics DNA and cytogenetics Diagnostics Lab, Erasmus MC, Erasmus Medical Center
Classification: Likely benign. Review status: no assertion criteria provided. Collection method: clinical testing. Allele origin: germline. Affected: yes. Study: VKGL Data-share Consensus. Not counted in ClinVar's aggregate classification.

Genome Diagnostics Laboratory, University Medical Center Utrecht
Classification: Likely benign. Review status: no assertion criteria provided. Collection method: clinical testing. Allele origin: germline. Affected: yes. Study: VKGL Data-share Consensus. Not counted in ClinVar's aggregate classification.